The following is an entry in ClinVar:

NM_001148.6(ANK2):c.158G>C (p.Gly53Ala)

Gene: ANK2 (ankyrin 2; plus strand). Cytogenetic location: 4q25.
Variant type: single nucleotide variant.
Coding change: c.158G>C on transcript NM_001148.6 (MANE Select); coding-DNA position 158, G replaced by C.
Protein change: p.Gly53Ala; replaces glycine 53 with alanine.
Molecular consequence: missense variant.
Genome position (GRCh38, 1-based): chr4:113,174,489, G>C. VCF-style: chr4-113174489-G-C. GRCh37 (hg19) VCF-style: chr4-114095645-G-C.
Other names: c.95G>C, p.Gly32Ala (NM_001386162.1, NM_001354239.2, NM_001127493.3 and 33 more transcripts); c.209G>C, p.Gly70Ala (NM_001386174.1, NM_001386175.1); c.146G>C, p.Gly49Ala (NM_001386186.2, NM_001386187.2, NM_001354269.3 and 1 more transcripts); c.158G>C, p.Gly53Ala (NM_020977.5, NM_001354228.2, NM_001354232.2 and 9 more transcripts); c.203G>C, p.Gly68Ala (NM_001354230.2, NM_001354231.2, NM_001354237.2 and 5 more transcripts); c.140G>C, p.Gly47Ala (NM_001354261.2, NM_001386147.1, NM_001386160.1); short protein forms G32A, G49A, G47A, G53A, G68A, G70A.
Identifiers: ClinVar variation 657522 (VCV000657522.7), dbSNP rs769893243, ClinGen allele CA3049942.

ClinVar aggregate classification (germline): Uncertain significance. Review status: criteria provided, multiple submitters, no conflicts (2 of 4 stars). 3 submissions from 3 submitters: Uncertain significance (3). Last evaluated 2026-05-29.

Conditions:
Cardiovascular phenotype. Identifiers: MedGen CN230736.
Cardiac arrhythmia, ankyrin-B-related. Also called: ANKYRIN-B SYNDROME. Identifiers: Orphanet 101016, Orphanet 768, MedGen C1970119, MONDO:0010958, OMIM 600919.
Long QT syndrome (LQTS). Identifiers: MedGen C0023976, MeSH D008133, MONDO:0002442. Disease mechanism: loss of function. Inheritance: Various modes of inheritance.

Allele frequency attached by ClinVar (database versions not stated): gnomAD 0.00001; TOPMed 0.00003; gnomAD exomes 0.00003.

Submissions (3):

Ambry Genetics
Classification: Uncertain significance for Cardiovascular phenotype. Last evaluated: 2026-05-29. Review status: criteria provided, single submitter. Criteria: Ambry Variant Classification Scheme 2023. Collection method: clinical testing. Allele origin: germline.
Comment: The p.G53A variant (also known as c.158G>C), located in coding exon 2 of the ANK2 gene, results from a G to C substitution at nucleotide position 158. The glycine at codon 53 is replaced by alanine, an amino acid with similar properties. This amino acid position is well conserved in available vertebrate species. In addition, this alteration is predicted to be tolerated by in silico analysis. Based on the available evidence, the clinical significance of this variant remains unclear.

Labcorp Genetics (formerly Invitae), Labcorp
Classification: Uncertain significance for Long QT syndrome. Last evaluated: 2025-10-07. Review status: criteria provided, single submitter. Criteria: Invitae Variant Classification Sherloc (09022015). Collection method: clinical testing. Allele origin: germline.
Comment: This sequence change replaces glycine, which is neutral and non-polar, with alanine, which is neutral and non-polar, at codon 53 of the ANK2 protein (p.Gly53Ala). This variant is present in population databases (rs769893243, gnomAD 0.003%). This variant has not been reported in the literature in individuals affected with ANK2-related conditions. ClinVar contains an entry for this variant (Variation ID: 657522). An algorithm developed to predict the effect of missense changes on protein structure and function (PolyPhen-2) suggests that this variant is likely to be disruptive. In summary, the available evidence is currently insufficient to determine the role of this variant in disease. Therefore, it has been classified as a Variant of Uncertain Significance.

Fulgent Genetics
Classification: Uncertain significance for Cardiac arrhythmia, ankyrin-B-related. Last evaluated: 2021-07-15. Review status: criteria provided, single submitter. Criteria: ACMG Guidelines, 2015. Collection method: clinical testing. Allele origin: unknown.